The following is an entry in ClinVar:

ClinVar aggregate classification (germline): Conflicting classifications of pathogenicity. Review status: criteria provided, conflicting classifications (1 of 4 stars). 3 submissions from 3 submitters: Uncertain significance (2); Likely benign (1). Last evaluated 2024-01-02.

Conditions:
Arrhythmogenic right ventricular dysplasia 8 (ARVD8). Also called: Arrhythmogenic Right Ventricular Dysplasia/Cardiomyopathy 8; ARRHYTHMOGENIC RIGHT VENTRICULAR DYSPLASIA, FAMILIAL, 8; ARRHYTHMOGENIC RIGHT VENTRICULAR CARDIOMYOPATHY 8. Identifiers: MedGen C1843896, MONDO:0011831, OMIM 607450.
Arrhythmogenic cardiomyopathy with wooly hair and keratoderma. Also called: PALMOPLANTAR KERATODERMA WITH LEFT VENTRICULAR CARDIOMYOPATHY AND WOOLLY HAIR; Dilated cardiomyopathy with woolly hair and keratoderma; Arrhythmogenic cardiomyopathy with woolly hair and keratoderma; Carvajal syndrome. Identifiers: Orphanet 65282, MedGen C1854063, MONDO:0011581, OMIM 605676.
Cardiomyopathy (CMYO). Also called: Cardiomyopathies. Identifiers: Orphanet 167848, MedGen C0878544, MONDO:0004994, HP:0001638. Inheritance: Various modes of inheritance.

Allele frequency attached by ClinVar (database versions not stated): gnomAD exomes below 0.00001.
gnomAD v4.1: 1 of 1,614,158 alleles (0.000062%); highest among the groups gnomAD compares: East Asian, 0.0022%; no homozygotes.

Submissions (3):

Labcorp Genetics (formerly Invitae), Labcorp
Classification: Likely benign for Arrhythmogenic cardiomyopathy with wooly hair and keratoderma; Arrhythmogenic right ventricular dysplasia 8. Last evaluated: 2024-01-02. Review status: criteria provided, single submitter. Criteria: Invitae Variant Classification Sherloc (09022015). Collection method: clinical testing. Allele origin: germline.

All of Us Research Program, National Institutes of Health
Classification: Uncertain significance for Arrhythmogenic cardiomyopathy with wooly hair and keratoderma. Last evaluated: 2023-04-28. Review status: criteria provided, single submitter. Criteria: ACMG Guidelines, 2015. Collection method: clinical testing. Allele origin: germline. Inheritance: Autosomal dominant inheritance. Observed: 1 variant allele, 1 heterozygote.
Comment: This missense variant replaces isoleucine with threonine at codon 2059 of the DSP protein. Computational prediction is inconclusive regarding the impact of this variant on protein structure and function (internally defined REVEL score threshold 0.5 < inconclusive < 0.7, PMID: 27666373). To our knowledge, functional studies have not been reported for this variant. This variant has not been reported in individuals affected with DSP-related disorders in the literature. This variant has been identified in 1/250580 chromosomes in the general population by the Genome Aggregation Database (gnomAD). The available evidence is insufficient to determine the role of this variant in disease conclusively. Therefore, this variant is classified as a Variant of Uncertain Significance.

This study involves interpretation of variants in research participants for the purpose of population health screening. Participant phenotype was not available at the time of variant classification. Additional details can be found in publication PMID: 35346344, PMCID: PMC8962531

Color Diagnostics, LLC DBA Color Health
Classification: Uncertain significance for Cardiomyopathy. Last evaluated: 2023-02-28. Review status: criteria provided, single submitter. Criteria: ACMG Guidelines, 2015. Collection method: clinical testing. Allele origin: germline.
Comment: This missense variant replaces isoleucine with threonine at codon 2059 of the DSP protein. Computational prediction is inconclusive regarding the impact of this variant on protein structure and function (internally defined REVEL score threshold 0.5 < inconclusive < 0.7, PMID: 27666373). To our knowledge, functional studies have not been reported for this variant. This variant has not been reported in individuals affected with DSP-related disorders in the literature. This variant has been identified in 1/250580 chromosomes in the general population by the Genome Aggregation Database (gnomAD). The available evidence is insufficient to determine the role of this variant in disease conclusively. Therefore, this variant is classified as a Variant of Uncertain Significance.

NM_004415.4(DSP):c.6176T>C (p.Ile2059Thr)

Gene: DSP (desmoplakin; plus strand). Cytogenetic location: 6p24.3.
Variant type: single nucleotide variant.
Coding change: c.6176T>C on transcript NM_004415.4 (MANE Select); coding-DNA position 6176, T replaced by C.
Protein change: p.Ile2059Thr; replaces isoleucine 2059 with threonine.
Molecular consequence: missense variant.
Genome position (GRCh38, 1-based): chr6:7,583,438, T>C. VCF-style: chr6-7583438-T-C. GRCh37 (hg19) VCF-style: chr6-7583671-T-C.
Other names: c.4379T>C, p.Ile1460Thr (NM_001008844.3); c.4847T>C, p.Ile1616Thr (NM_001319034.2); short protein forms I2059T, I1616T, I1460T.
Identifiers: ClinVar variation 2775338 (VCV002775338.5), dbSNP rs1263298339, ClinGen allele CA362690242.